The following is an entry in ClinVar:

NM_005677.4(COLQ):c.219+1G>C

Gene: COLQ (collagen like tail subunit of asymmetric acetylcholinesterase; minus strand). Cytogenetic location: 3p25.1.
Variant type: single nucleotide variant.
Coding change: c.219+1G>C on transcript NM_005677.4 (MANE Select); the canonical splice donor site of the intron after coding-DNA position 219, G replaced by C.
Molecular consequence: splice donor variant.
Genome position (GRCh38, 1-based): chr3:15,489,524, C>G on the plus strand (G>C on the coding strand, the complement: COLQ is on the minus strand). VCF-style: chr3-15489524-C-G. GRCh37 (hg19) VCF-style: chr3-15531031-C-G.
Other names: c.219+1G>C (NM_005677.3, NM_080539.4); c.189+1G>C (NM_080538.2).
Identifiers: ClinVar variation 801940 (VCV000801940.20), dbSNP rs149020371, ClinGen allele CA2276294.

ClinVar aggregate classification (germline): Pathogenic. Review status: criteria provided, multiple submitters, no conflicts (2 of 4 stars). 9 submissions from 9 submitters: Pathogenic (9). Last evaluated 2026-01-09.

Conditions:
Congenital myasthenic syndrome (CMS). Also called: Congenital Myasthenic Syndromes. Identifiers: Orphanet 590, MedGen C0751882, MeSH D020294, MONDO:0018940.
Congenital myasthenic syndrome 5. Identifiers: Orphanet 590, MedGen C1864233, MONDO:0011281, OMIM 603034.

Allele frequency attached by ClinVar (database versions not stated): gnomAD 0.00001; gnomAD exomes 0.00001 and 0.00002; ExAC 0.00002; TOPMed 0.00002; ESP Exome Variant Server 0.00008.
gnomAD v4.1: 9 of 1,614,024 alleles (0.00056%); highest among the groups gnomAD compares: Admixed American, 0.0067%; no homozygotes.

Submissions (10):

Dasa
Classification: Pathogenic. Last evaluated: 2026-01-09. Review status: criteria provided, single submitter. Criteria: DASA Assertion Criteria. Collection method: clinical testing. Allele origin: germline.
Comment: NM_005677.4(COLQ):c.219+1G>C affects a canonical splice site and is predicted to disrupt normal RNA splicing, leading to loss of normal protein function. Loss-of-function is an established mechanism of disease for this gene. This variant has been recurrently observed in individuals with related phenotype (PMID: 18180250; PMID: 22088788). The variant is present at low frequency in population datasets. Based on the available data, this variant is classified as pathogenic.

OLLIN Analises Genomicas, OLLIN
Classification: Pathogenic for Congenital myasthenic syndrome 5. Last evaluated: 2025-11-11. Review status: criteria provided, single submitter. Criteria: ACMG Guidelines 2015 PMID 25741868. Collection method: clinical testing. Allele origin: germline. Affected: yes. Observed: 1 variant allele.
Comment: The variant located at the canonical splicing site (splice donor) (chr3:15489524C>G), situated in intron 2 (of 17 exons), is reported in ClinVar (VCV000801940.17), in gnomAD v4.1 non-UKB with an allele frequency of 0.0012%, and in the scientific literature, in compound homozygosity and heterozygosity, also segregating with the phenotype, in individuals with myasthenic syndrome (PMID: 18180250, 34749429, 22088788). This variant is predicted to disrupt the canonical splice site, resulting in a truncated protein, or in mRNA degradation via NMD or exon skipping. According to currently available evidence, this variant has been classified as pathogenic (PVS1, PM2_P, PM3, PP1).

Labcorp Genetics (formerly Invitae), Labcorp
Classification: Pathogenic for Congenital myasthenic syndrome 5. Last evaluated: 2025-09-02. Review status: criteria provided, single submitter. Criteria: Invitae Variant Classification Sherloc (09022015). Collection method: clinical testing. Allele origin: germline.
Comment: This sequence change affects a donor splice site in intron 2 of the COLQ gene. It is expected to disrupt RNA splicing. Variants that disrupt the donor or acceptor splice site typically lead to a loss of protein function (PMID: 16199547), and loss-of-function variants in COLQ are known to be pathogenic (PMID: 22678886). This variant is present in population databases (rs149020371, gnomAD 0.006%). Disruption of this splice site has been observed in individuals with congenital myasthenic syndrome (PMID: 18180250, 22088788). This variant is also known as IVS2+1G>C. ClinVar contains an entry for this variant (Variation ID: 801940). Algorithms developed to predict the effect of sequence changes on RNA splicing suggest that this variant may disrupt the consensus splice site. For these reasons, this variant has been classified as Pathogenic.

Fulgent Genetics
Classification: Pathogenic for Congenital myasthenic syndrome 5. Last evaluated: 2024-06-16. Review status: criteria provided, single submitter. Criteria: ACMG Guidelines, 2015. Collection method: clinical testing. Allele origin: germline.

Broad Center for Mendelian Genomics, Broad Institute of MIT and Harvard
Classification: Pathogenic for Congenital myasthenic syndrome 5. Last evaluated: 2023-05-02. Review status: criteria provided, single submitter. Criteria: ACMG Guidelines, 2015. Collection method: curation. Allele origin: germline. Inheritance: Autosomal recessive inheritance.
Comment: The homozygous c.219+1G>C variant in COLQ was identified by our study in two siblings with congenital myasthenic syndrome (PMID: 34749429). The c.219+1G>C variant in COLQ has been previously reported in four unrelated individuals with congenital myasthenic syndrome 5 (PMID: 18180250, PMID: 34749429, PMID: 22088788), segregated with disease in four affected relatives from two families (PMID: 22088788, PMID: 34749429), but has been identified in 0.006% (2/34586) Latino/Admixed American chromosomes by the Genome Aggregation Database (gnomAD; dbSNP ID: rs149020371). Although this variant has been seen in the general population in a heterozygous state, its frequency is low enough to be consistent with a recessive carrier frequency. This variant has also been reported in ClinVar (Variation ID: 801940) and has been interpreted as pathogenic by Mendelics, Invitae, and PerkinElmer Genomics. Of the four unrelated affected individuals, two were homozygotes (PMID: 18180250, PMID: 34749429) one was a reported compound heterozygote who carried a pathogenic variant in unknown phase (PMID: 34749429, ClinVar Variation ID: 468343), and one was a compound heterozygote who carried a variant of uncertain significance in trans (PMID: 22088788, ClinVar Variation ID: 536239), which increases the likelihood that the c.219+1G>C variant is pathogenic. This variant is located in the 5' splice region. Computational tools do suggest an impact to splicing. However, this information is not predictive enough to determine pathogenicity. Loss of function of the COLQ gene is an established disease mechanism in autosomal recessive congenital myasthenic syndrome 5. In summary, this variant meets criteria to be classified as pathogenic for autosomal recessive congenital myasthenic syndrome 5. ACMG/AMP Criteria applied: PVS1, PM2_Supporting, PM3 (Richards 2015).

GeneDx
Classification: Pathogenic. Last evaluated: 2023-03-16. Review status: criteria provided, single submitter. Criteria: GeneDx Variant Classification Process June 2021. Collection method: clinical testing. Allele origin: germline. Affected: yes.
Comment: Canonical splice site variant predicted to result in a null allele in a gene for which loss of function is a known mechanism of disease; Not observed at significant frequency in large population cohorts (gnomAD); Reported in two siblings with congenital myasthenia who had a second COLQ variant (Wargon et al., 2012); This variant is associated with the following publications: (PMID: 25525159, 34749429, 18180250, 22088788)

Women's Health and Genetics/Laboratory Corporation of America, LabCorp
Classification: Pathogenic for Congenital myasthenic syndrome. Last evaluated: 2022-10-10. Review status: criteria provided, single submitter. Criteria: LabCorp Variant Classification Summary - May 2015. Collection method: clinical testing. Allele origin: germline.
Comment: Variant summary: COLQ c.219+1G>C is located in a canonical splice-site and is predicted to affect mRNA splicing resulting in a significantly altered protein due to either exon skipping, shortening, or inclusion of intronic material. Several computational tools predict a significant impact on normal splicing by abolishment of 5' splicing donor site. However, these predictions have yet to be confirmed by functional studies. The variant allele was found at a frequency of 1.6e-05 in 251438 control chromosomes. c.219+1G>C has been reported in the literature as a homozygous and heterozygous genotype in multiple individuals with clinically diagnosed Congenital Myasthenic Syndrome (example: Estepha_2022, Mihaylova_2008 and Wargon_2012 etc.). These data indicate that the variant is very likely to be associated with disease. To our knowledge, no experimental evidence demonstrating an impact on protein function has been reported. Three clinical diagnostic laboratories have submitted clinical-significance assessments for this variant to ClinVar after 2014 and classified the variant as pathogenic. Based on the evidence outlined above, the variant was classified as pathogenic.

Revvity Omics, Revvity
Classification: Pathogenic for Congenital myasthenic syndrome 5. Last evaluated: 2020-02-12. Review status: criteria provided, single submitter. Criteria: ACMG Guidelines, 2015. Collection method: clinical testing. Allele origin: germline.

Mendelics
Classification: Pathogenic for Congenital myasthenic syndrome 5. Last evaluated: 2019-05-28. Review status: criteria provided, single submitter. Criteria: Mendelics Assertion Criteria 2017. Collection method: clinical testing. Allele origin: unknown.

Dr. Peter K. Rogan Lab, Western University
No classification provided (evidence only). Condition: Cervical cancer. Review status: no classification provided. Collection method: in vitro. Allele origin: not applicable. Functional consequence: retained intron. Not counted in ClinVar's aggregate classification.

Literature cited by the submitters: PubMed 18180250 (cited by 4 submitters); PubMed 22088788 (cited by 4 submitters); PubMed 34749429 (cited by OLLIN Analises Genomicas, OLLIN and Women's Health and Genetics/Laboratory Corporation of America, LabCorp); PubMed 16199547 (cited by Labcorp Genetics (formerly Invitae), Labcorp); PubMed 22678886 (cited by Labcorp Genetics (formerly Invitae), Labcorp).